The following is an entry in ClinVar:

NM_000053.4(ATP7B):c.3741_3742del (p.His1247fs)

Gene: ATP7B (ATPase copper transporting beta; minus strand). Cytogenetic location: 13q14.3.
Variant type: Microsatellite.
Coding change: c.3741_3742del on transcript NM_000053.4 (MANE Select); coding-DNA positions 3741 to 3742, 2 bases deleted (CA; older notation c.3741_3742delCA).
Protein change: p.His1247fs; shifts the reading frame from histidine 1247.
Molecular consequence: frameshift variant.
Genome position (GRCh38, 1-based): chr13:51,937,637-51,937,638, TG deleted on the plus strand (CA on the coding strand, the reverse complement: ATP7B is on the minus strand); deleting any 2 consecutive bases within chr13:51,937,637-51,937,640 gives the same sequence; the c. name uses the placement nearest the transcript's 3' end. VCF-style (leftmost placement, unchanged base first): chr13-51937636-TTG-T. GRCh37 (hg19) VCF-style: chr13-52511772-TTG-T.
Other names: c.3120_3121del, p.His1040fs (NM_001005918.3); c.3408_3409del, p.His1136fs (NM_001243182.2); c.3507_3508del, p.His1169fs (NM_001330578.2); c.3489_3490del, p.His1163fs (NM_001330579.2); c.3739_3740CA[1], p.His1247Glnfs (NM_001406511.1, NM_001406512.1); c.3733_3734CA[1], p.His1245Glnfs (NM_001406513.1); c.3706_3707CA[1], p.His1236Glnfs (NM_001406514.1); c.3685_3686CA[1], p.His1229Glnfs (NM_001406515.1, NM_001406516.1); and 22 more; short protein forms H1040fs, H1136fs, H1163fs, H1169fs, H1247fs.
Identifiers: ClinVar variation 1725300 (VCV001725300.2), dbSNP rs1462451206, ClinGen allele CA2580614736.

ClinVar aggregate classification (germline): Likely pathogenic (1 of 4 stars; one submission).

Conditions:
Wilson disease (WND). Also called: Wilson's disease. Identifiers: Orphanet 905, MedGen C0019202, MONDO:0010200, OMIM 277900. Disease mechanism: loss of function.

Submission:

Myriad Genetics, Inc.
Classification: Likely pathogenic for Wilson disease. Last evaluated: 2022-03-15. Review status: criteria provided, single submitter. Criteria: Myriad Women's Health Autosomal Recessive and X-Linked Classification Criteria (2021). Collection method: clinical testing. Allele origin: unknown.
Comment: NM_000053.3(ATP7B):c.3741_3742delCA(H1247Qfs*11) is expected to be pathogenic in the context of Wilson disease. This variant is predicted to lead to an abnormal or absent protein product due to the creation of a premature termination codon in ATP7B, a gene where loss-of-function variants are known to be pathogenic. Please note: this variant was assessed in the context of healthy population screening.